The following is an entry in ClinVar:

ClinVar aggregate classification (germline): Uncertain significance (1 of 4 stars; one submission).

Conditions:
Chédiak-Higashi syndrome (CHS). Also called: Chediak-Higashi Syndrome. Identifiers: Orphanet 167, MedGen C0007965, MONDO:0008963, OMIM 214500.

Submission:

Labcorp Genetics (formerly Invitae), Labcorp
Classification: Uncertain significance for Chédiak-Higashi syndrome. Last evaluated: 2023-08-04. Review status: criteria provided, single submitter. Criteria: Invitae Variant Classification Sherloc (09022015). Collection method: clinical testing. Allele origin: germline.
Comment: In summary, the available evidence is currently insufficient to determine the role of this variant in disease. Therefore, it has been classified as a Variant of Uncertain Significance. Advanced modeling of protein sequence and biophysical properties (such as structural, functional, and spatial information, amino acid conservation, physicochemical variation, residue mobility, and thermodynamic stability) performed at Invitae indicates that this missense variant is expected to disrupt LYST protein function. This sequence change replaces alanine, which is neutral and non-polar, with valine, which is neutral and non-polar, at codon 3503 of the LYST protein (p.Ala3503Val). This variant is not present in population databases (gnomAD no frequency). This variant has not been reported in the literature in individuals affected with LYST-related conditions. ClinVar contains an entry for this variant (Variation ID: 1421514).

NM_000081.4(LYST):c.10508C>T (p.Ala3503Val)

Gene: LYST (lysosomal trafficking regulator; minus strand). Cytogenetic location: 1q42.3.
Variant type: single nucleotide variant.
Coding change: c.10508C>T on transcript NM_000081.4 (MANE Select); coding-DNA position 10508, C replaced by T.
Protein change: p.Ala3503Val; replaces alanine 3503 with valine.
Molecular consequence: missense variant.
Genome position (GRCh38, 1-based): chr1:235,697,139, G>A on the plus strand (C>T on the coding strand, the complement: LYST is on the minus strand). VCF-style: chr1-235697139-G-A. GRCh37 (hg19) VCF-style: chr1-235860439-G-A.
Other names: c.10508C>T, p.Ala3503Val (NM_001301365.1); short protein forms A3503V.
Identifiers: ClinVar variation 1421514 (VCV001421514.7), dbSNP rs2527284561, ClinGen allele CA344928959.
Genomic context (GRCh38, chr1:235,697,139, plus strand): 5'-TTACCTTGTTCCTTGCTATATGTCATCAGAAGACAGAAATTCCGTGACAAACCACAGATT[G>A]CTCTGGTGGGCAGAGCCTGGAGAGAGCCAAATCTTTCTCCGTGGGGCTGGCTGAAGCAGA-3'
Protein context (NP_000072.2, residues 3493-3513): FGSLQALPTR[Ala3503Val]ICGLSRNFCL